The following is an entry in ClinVar:

ClinVar aggregate classification (germline): Uncertain significance (1 of 4 stars; one submission).

Submission:

GeneDx
Classification: Uncertain significance. Last evaluated: 2024-09-06. Review status: criteria provided, single submitter. Criteria: GeneDx Variant Classification Process June 2021. Collection method: clinical testing. Allele origin: germline. Affected: yes.
Comment: Not observed at significant frequency in large population cohorts (gnomAD); In silico analysis supports that this missense variant has a deleterious effect on protein structure/function; Has not been previously published as pathogenic or benign to our knowledge

NM_032436.4(CHAMP1):c.1054C>T (p.Pro352Ser)

Gene: CHAMP1 (chromosome alignment maintaining phosphoprotein 1; plus strand). Cytogenetic location: 13q34.
Variant type: single nucleotide variant.
Coding change: c.1054C>T on transcript NM_032436.4 (MANE Select); coding-DNA position 1054, C replaced by T.
Protein change: p.Pro352Ser; replaces proline 352 with serine.
Molecular consequence: missense variant.
Genome position (GRCh38, 1-based): chr13:114,324,896, C>T. VCF-style: chr13-114324896-C-T. GRCh37 (hg19) VCF-style: chr13-115090371-C-T.
Other names: c.1054C>T, p.Pro352Ser (NM_001164144.3, NM_001164145.3); short protein forms P352S.
Identifiers: ClinVar variation 3767500 (VCV003767500.1).